The following is an entry in ClinVar:

NM_000492.4(CFTR):c.3592G>A (p.Val1198Met)

Genes: CFTR-AS2 (CFTR antisense RNA 2; minus strand), CFTR (CF transmembrane conductance regulator; plus strand). Cytogenetic location: 7q31.2.
Variant type: single nucleotide variant.
Coding change: c.3592G>A on transcript NM_000492.4 (MANE Select); coding-DNA position 3592, G replaced by A.
Protein change: p.Val1198Met; replaces valine 1198 with methionine.
Molecular consequence: missense variant.
Genome position (GRCh38, 1-based): chr7:117,627,645, G>A. VCF-style: chr7-117627645-G-A. GRCh37 (hg19) VCF-style: chr7-117267699-G-A.
Other names: short protein forms V1198M.
Identifiers: ClinVar variation 572626 (VCV000572626.17), dbSNP rs576710089, ClinGen allele CA4451504.
Genomic context (GRCh38, chr7:117,627,645, plus strand): 5'-TCAACCAAACCATACAAGAATGGCCAACTCTCGAAAGTTATGATTATTGAGAATTCACAC[G>A]TGAAGAAAGATGACATCTGGCCCTCAGGGGGCCAAATGACTGTCAAAGATCTCACAGCAA-3'
Protein context (NP_000483.3, residues 1188-1208): SKVMIIENSH[Val1198Met]KKDDIWPSGG

ClinVar aggregate classification (germline): Uncertain significance. Review status: criteria provided, multiple submitters, no conflicts (2 of 4 stars). 6 submissions from 6 submitters: Uncertain significance (5). 1 of the submissions does not count toward it. Last evaluated 2026-08-04.

Conditions:
Cystic fibrosis (CF). Also called: MUCOVISCIDOSIS. Identifiers: Orphanet 586, MedGen C0010674, MONDO:0009061, OMIM 219700. Disease mechanism: loss of function.
CFTR-related disorder (CFTR-RD). Also called: CFTR-related condition; CFTR-related disorders. Identifiers: MedGen C5924204, MONDO:7770004.

Allele frequency attached by ClinVar (database versions not stated): gnomAD exomes 0.00002; TOPMed 0.00002; gnomAD 0.00008; 1000 Genomes Project 30x 0.00016; 1000 Genomes Project 0.00020.
gnomAD v4.1: 41 of 1,613,464 alleles (0.0025%); highest among the groups gnomAD compares: Admixed American, 0.0083%; no homozygotes.

Submissions (6):

Ambry Genetics
Classification: Uncertain significance for Cystic fibrosis. Last evaluated: 2026-08-04. Review status: criteria provided, single submitter. Criteria: Ambry Variant Classification Scheme 2023. Collection method: clinical testing. Allele origin: germline.
Comment: The p.V1198M variant (also known as c.3592G>A), located in coding exon 22 of the CFTR gene, results from a G to A substitution at nucleotide position 3592. The valine at codon 1198 is replaced by methionine, an amino acid with highly similar properties. This amino acid position is well conserved in available vertebrate species. In addition, the in silico prediction for this alteration is inconclusive. Based on the available evidence, the clinical significance of this variant remains unclear.

Quest Diagnostics Nichols Institute San Juan Capistrano
Classification: Uncertain significance. Last evaluated: 2024-11-27. Review status: criteria provided, single submitter. Criteria: Quest Diagnostics criteria. Collection method: clinical testing. Allele origin: unknown.
Comment: The CFTR c.3592G>A (p.Val1198Met) variant has been reported in the published literature in individuals affected with cystic fibrosis (CF) (PMIDs: 25940953 (2015), 26795017 (2016), 28830496 (2017)), had positive newborn screening results (PMIDs: 23810505 (2013), 33572515 (2021)), or bronchiectasis (PMID: 29997923 (2018)). This variant occurred as part of a complex allele in a compound heterozygous CF patient whose tissue did not respond to pharmacologic modulators (PMID: 32747394 (2021)). The frequency of this variant in the general population, 0.00012 (3/24958 chromosomes (Genome Aggregation Database)), is uninformative in the assessment of its pathogenicity. Analysis of this variant using bioinformatics tools for the prediction of the effect of amino acid changes on protein structure and function yielded predictions that this variant is benign. Based on the available information, we are unable to determine the clinical significance of this variant.

Labcorp Genetics (formerly Invitae), Labcorp
Classification: Uncertain significance for Cystic fibrosis. Last evaluated: 2022-07-30. Review status: criteria provided, single submitter. Criteria: Invitae Variant Classification Sherloc (09022015). Collection method: clinical testing. Allele origin: germline.
Comment: This sequence change replaces valine, which is neutral and non-polar, with methionine, which is neutral and non-polar, at codon 1198 of the CFTR protein (p.Val1198Met). This variant is present in population databases (rs576710089, gnomAD 0.01%). This missense change has been observed in individual(s) with clinical features of cystic fibrosis (PMID: 29997923). ClinVar contains an entry for this variant (Variation ID: 572626). Algorithms developed to predict the effect of missense changes on protein structure and function are either unavailable or do not agree on the potential impact of this missense change (SIFT: "Deleterious"; PolyPhen-2: "Benign"; Align-GVGD: "Class C0"). In summary, the available evidence is currently insufficient to determine the role of this variant in disease. Therefore, it has been classified as a Variant of Uncertain Significance.

Genome-Nilou Lab
Classification: Uncertain significance for Cystic fibrosis. Last evaluated: 2021-09-05. Review status: criteria provided, single submitter. Criteria: ACMG Guidelines, 2015. Collection method: clinical testing. Allele origin: germline. Affected: no.

ARUP Laboratories, Molecular Genetics and Genomics, ARUP Laboratories
Classification: Uncertain significance. Last evaluated: 2019-08-22. Review status: criteria provided, single submitter. Criteria: ARUP Molecular Germline Variant Investigation Process. Collection method: clinical testing. Allele origin: germline.
Comment: The CFTR c.3592G>A; p.Val1198Met variant (rs576710089) is reported in the literature in a newborn screening cohort, but no specific clinical symptoms are provided (Prach 2013). This variant is reported in ClinVar (Variation ID: 572626), and is found in the African population with an allele frequency of 0.012% (3/24958 alleles) in the Genome Aggregation Database. The valine at codon 1198 is moderately conserved, and computational analyses (SIFT: damaging, PolyPhen-2: benign) predict conflicting effects of this variant on protein structure/function. Due to limited information, the clinical significance of the p.Val1198Met variant is uncertain at this time. References: Prach L et al. Novel CFTR variants identified during the first 3 years of cystic fibrosis newborn screening in California. J Mol Diagn. 2013 Sep;15(5):710-22.

Natera, Inc.
Classification: Uncertain significance for CFTR-related disorders. Last evaluated: 2018-06-06. Review status: no assertion criteria provided. Collection method: clinical testing. Allele origin: germline. Not counted in ClinVar's aggregate classification.

Literature cited by the submitters: PubMed 29997923 (cited by Quest Diagnostics Nichols Institute San Juan Capistrano and Labcorp Genetics (formerly Invitae), Labcorp); PubMed 23810505 (cited by Quest Diagnostics Nichols Institute San Juan Capistrano); PubMed 25940953 (cited by Quest Diagnostics Nichols Institute San Juan Capistrano); PubMed 26795017 (cited by Quest Diagnostics Nichols Institute San Juan Capistrano); PubMed 28830496 (cited by Quest Diagnostics Nichols Institute San Juan Capistrano); PubMed 32747394 (cited by Quest Diagnostics Nichols Institute San Juan Capistrano); PubMed 33572515 (cited by Quest Diagnostics Nichols Institute San Juan Capistrano); PubMed 38515211 (cited by Quest Diagnostics Nichols Institute San Juan Capistrano); PubMed 39004507 (cited by Quest Diagnostics Nichols Institute San Juan Capistrano).